The following is an entry in ClinVar:

NM_000330.4(RS1):c.227T>A (p.Val76Asp)

Genes: CDKL5 (cyclin dependent kinase like 5; plus strand), RS1 (retinoschisin 1; minus strand). Cytogenetic location: Xp22.13.
Variant type: single nucleotide variant.
Coding change: c.227T>A on transcript NM_000330.4 (MANE Select); coding-DNA position 227, T replaced by A.
Protein change: p.Val76Asp; replaces valine 76 with aspartic acid.
Molecular consequence: missense variant. On other transcripts: intron variant (2).
Genome position (GRCh38, 1-based): chrX:18,647,290, A>T on the plus strand (T>A on the coding strand, the complement: RS1 is on the minus strand). VCF-style: chrX-18647290-A-T. GRCh37 (hg19) VCF-style: chrX-18665410-A-T.
Other names: NM_000330.4(RS1):c.227T>A; p.Val76Asp; c.2797+1200A>T (NM_003159.3, NM_001037343.2); short protein forms V76D.
Identifiers: ClinVar variation 1066419 (VCV001066419.11), dbSNP rs2147194138, ClinGen allele CA412372934.

ClinVar aggregate classification (germline): Pathogenic. Review status: reviewed by expert panel (3 of 4 stars). 3 submissions from 3 submitters: Pathogenic (1). 2 of the submissions do not count toward it. Last evaluated 2025-05-19.

Conditions:
Juvenile retinoschisis (RS1). Also called: X-linked retinoschisis; X-Linked Juvenile Retinoschisis. Identifiers: Orphanet 792, MedGen C3714753, MONDO:0010725, OMIM 312700.
RS1-related disorder. Also called: RS1-related condition.

Submissions (3):

ClinGen X-linked Inherited Retinal Disease Variant Curation Expert Panel, ClinGen
Classification: Pathogenic for Juvenile retinoschisis. Last evaluated: 2025-05-19. Review status: reviewed by expert panel. Criteria: ClinGen X LinkedIRD ACMG Specifications RS1 V1.0.0. Collection method: curation. Allele origin: germline. Inheritance: X-linked inheritance.
Comment: The NM_000330.4(RS1):c.227T>A variant is a missense variant encoding the substitution of Valine with Aspartic acid at position 76. This variant is absent from hemizygous individuals in gnomAD v4.1.0 (PM2_Supporting). The computational predictor REVEL gives a score of 0.942, which is above the ClinGen X-linked IRD VCEP threshold of >0.932 and predicts a damaging effect on RS1 function (PP3_strong). The computational splicing predictor SpliceAI gives a delta score of 0 for all predictive splice changes, which is below the ClinGen X-linked IRD VCEP threshold of >0.2 and does not predict that the variant disrupts RS1 splicing. The variant has been reported to segregate with retinal dystrophy through at least 3 meioses in the same family (PP1_Strong; PMID: 28060400). At least one proband harboring this variant exhibits a phenotype including appearance of schisis and reduced visual acuity before age 13 years and showing retinal detachment, which together are highly specific for X-linked retinoschisis (PMID: 28060400, PP4_moderate). In summary, this variant is classified as pathogenic for X-linked retinoschisis based on the ClinGen X-linked Inherited Retinal Disease Expert Panel Specifications to the ACMG/AMP Variant Interpretation Guidelines for RS1 Version 1.0.0: PM2_supporting, PP3_strong, PP4_moderate, and PP1_strong (date of approval 01/24/2025).

Labcorp Genetics (formerly Invitae), Labcorp
Classification: Pathogenic. Last evaluated: 2025-09-17. Review status: criteria provided, single submitter. Criteria: Invitae Variant Classification Sherloc (09022015). Collection method: clinical testing. Allele origin: germline. Not counted in ClinVar's aggregate classification.
Comment: This sequence change replaces valine, which is neutral and non-polar, with aspartic acid, which is acidic and polar, at codon 76 of the RS1 protein (p.Val76Asp). This variant is not present in population databases (gnomAD no frequency). This missense change has been observed in individuals with retinoschisis (PMID: 28060400; internal data). It has also been observed to segregate with disease in related individuals. ClinVar contains an entry for this variant (Variation ID: 1066419). Invitae Evidence Modeling of protein sequence and biophysical properties (such as structural, functional, and spatial information, amino acid conservation, physicochemical variation, residue mobility, and thermodynamic stability) indicates that this missense variant is expected to disrupt RS1 protein function with a positive predictive value of 95%. This variant disrupts the p.Val76 amino acid residue in RS1. Other variant(s) that disrupt this residue have been observed in individuals with RS1-related conditions (PMID: 19390641), which suggests that this may be a clinically significant amino acid residue. For these reasons, this variant has been classified as Pathogenic.

Blueprint Genetics
Classification: Likely pathogenic for RS1-related disorders. Last evaluated: 2022-04-25. Review status: criteria provided, single submitter. Criteria: ACMG Guidelines, 2015. Collection method: clinical testing. Allele origin: germline. Affected: yes. Observed: 1 variant allele. Not counted in ClinVar's aggregate classification.

Literature cited by the submitters: PubMed 28060400 (cited by Labcorp Genetics (formerly Invitae), Labcorp); PubMed 19390641 (cited by Labcorp Genetics (formerly Invitae), Labcorp).